The following is an entry in ClinVar:

NR_186857.1(ORAI1):n.296_329dup

Genes: ORAI1 (ORAI calcium release-activated calcium modulator 1; plus strand), LOC130008987 (ATAC-STARR-seq lymphoblastoid silent region 4981; plus strand). Cytogenetic location: 12q24.31.
Variant type: Duplication.
Molecular consequence: non-coding transcript variant (on NR_186857.1).
Genome position: GRCh38: chr12:121,626,825-121,626,858. GRCh37 (hg19): chr12:122,064,730-122,064,763.
Identifiers: ClinVar variation 3755119 (VCV003755119.2).

ClinVar aggregate classification (germline): Uncertain significance (1 of 4 stars; one submission).

Conditions:
Combined immunodeficiency due to ORAI1 deficiency. Also called: IMMUNODEFICIENCY 9. Identifiers: Orphanet 169090, Orphanet 317428, MedGen C2748568, MONDO:0013007, OMIM 612782.
Myopathy, tubular aggregate, 2 (TAM2). Identifiers: MedGen C4014557, MONDO:0014383, OMIM 615883.

Submission:

Labcorp Genetics (formerly Invitae), Labcorp
Classification: Uncertain significance for Myopathy, tubular aggregate, 2; Combined immunodeficiency due to ORAI1 deficiency. Last evaluated: 2024-03-05. Review status: criteria provided, single submitter. Criteria: Invitae Variant Classification Sherloc (09022015). Collection method: clinical testing. Allele origin: germline.
Comment: This sequence change creates a premature translational stop signal (p.Gly41Glufs*58) in the ORAI1 gene. However, it is currently unclear if variants that occur in this region of the gene cause disease. This variant is not present in population databases (gnomAD no frequency). This variant has not been reported in the literature in individuals affected with ORAI1-related conditions. In summary, the available evidence is currently insufficient to determine the role of this variant in disease. Therefore, it has been classified as a Variant of Uncertain Significance.